The following is an entry in ClinVar:

ClinVar aggregate classification (germline): Pathogenic (1 of 4 stars; one submission).

Conditions:
Hereditary breast ovarian cancer syndrome. Also called: Hereditary breast and ovarian cancer syndrome (HBOC); Hereditary breast and ovarian cancer syndrome; Breast and ovarian cancer; Hereditary breast and ovarian cancer; Hereditary breast and/or ovarian cancer syndrome; BRCA1- and BRCA2-Associated Hereditary Breast and Ovarian Cancer. Identifiers: Orphanet 145, MedGen C0677776, MeSH D061325, MONDO:0003582. Disease mechanism: loss of function.

Submission:

Labcorp Genetics (formerly Invitae), Labcorp
Classification: Pathogenic for Hereditary breast ovarian cancer syndrome. Last evaluated: 2023-07-10. Review status: criteria provided, single submitter. Criteria: Invitae Variant Classification Sherloc (09022015). Collection method: clinical testing. Allele origin: germline.
Comment: For these reasons, this variant has been classified as Pathogenic. ClinVar contains an entry for this variant (Variation ID: 661522). This variant has not been reported in the literature in individuals affected with BRCA2-related conditions. This variant is not present in population databases (gnomAD no frequency). This sequence change creates a premature translational stop signal (p.Trp2990Hisfs*9) in the BRCA2 gene. It is expected to result in an absent or disrupted protein product. Loss-of-function variants in BRCA2 are known to be pathogenic (PMID: 20104584).

Literature cited by the submitters: PubMed 20104584.

NM_000059.4(BRCA2):c.8967_8973del (p.Trp2990fs)

Gene: BRCA2 (BRCA2 DNA repair associated; plus strand). Cytogenetic location: 13q13.1.
Variant type: Deletion.
Coding change: c.8967_8973del on transcript NM_000059.4 (MANE Select); coding-DNA positions 8967 to 8973, 7 bases deleted (TTGGCGT; older notation c.8967_8973delTTGGCGT).
Protein change: p.Trp2990fs; shifts the reading frame from tryptophan 2990.
Molecular consequence: frameshift variant.
Genome position (GRCh38, 1-based): chr13:32,379,763-32,379,769, TTGGCGT deleted; deleting any 7 consecutive bases within chr13:32,379,762-32,379,769 gives the same sequence; the c. name uses the placement nearest the transcript's 3' end. VCF-style (leftmost placement, unchanged base first): chr13-32379761-ATTTGGCG-A. GRCh37 (hg19) VCF-style: chr13-32953898-ATTTGGCG-A.
Other names: c.8967_8973delTTGGCGT (NM_000059.3); short protein forms W2990fs.
Identifiers: ClinVar variation 661522 (VCV000661522.7), dbSNP rs1593937297, ClinGen allele CA915948618.